The following is an entry in ClinVar:

NM_015335.5(MED13L):c.4339-9T>C

Gene: MED13L (mediator complex subunit 13L; minus strand). Cytogenetic location: 12q24.21.
Variant type: single nucleotide variant.
Coding change: c.4339-9T>C on transcript NM_015335.5 (MANE Select); 9 bases into the intron before coding-DNA position 4339, T replaced by C.
Molecular consequence: intron variant.
Genome position (GRCh38, 1-based): chr12:115,984,381, A>G on the plus strand (T>C on the coding strand, the complement: MED13L is on the minus strand). VCF-style: chr12-115984381-A-G. GRCh37 (hg19) VCF-style: chr12-116422186-A-G.
Other names: c.4339-9T>C (NM_015335.4).
Identifiers: ClinVar variation 2907570 (VCV002907570.4), dbSNP rs373540299, ClinGen allele CA6810813.

ClinVar aggregate classification (germline): Benign. Review status: criteria provided, single submitter (1 of 4 stars). 2 submissions from 2 submitters: Benign (1). 1 of the submissions does not count toward it. Last evaluated 2024-12-22.

Conditions:
Dextro-looped transposition of the great arteries. Also called: Dextrotransposition of the great arteries. Identifiers: Orphanet 860, MedGen C3531771, MONDO:0019443, OMIM 608808, HP:0031348.
MED13L-related disorder. Also called: MED13L-related condition.

Allele frequency attached by ClinVar (database versions not stated): gnomAD exomes 0.00004; gnomAD 0.00005; ESP Exome Variant Server 0.00008; TOPMed 0.00011; ExAC 0.00012; 1000 Genomes Project 0.00020; 1000 Genomes Project 30x 0.00031.
gnomAD v4.1: 65 of 1,613,906 alleles (0.004%); highest among the groups gnomAD compares: East Asian, 0.12%; 1 homozygote.

Submissions (2):

Labcorp Genetics (formerly Invitae), Labcorp
Classification: Benign for Dextro-looped transposition of the great arteries. Last evaluated: 2024-12-22. Review status: criteria provided, single submitter. Criteria: Invitae Variant Classification Sherloc (09022015). Collection method: clinical testing. Allele origin: germline.

PreventionGenetics, part of Exact Sciences
Classification: Likely benign for MED13L-related condition. Last evaluated: 2023-05-08. Review status: no assertion criteria provided. Collection method: clinical testing. Allele origin: germline. Not counted in ClinVar's aggregate classification.
Comment: This variant is classified as likely benign based on ACMG/AMP sequence variant interpretation guidelines (Richards et al. 2015 PMID: 25741868, with internal and published modifications).